The following is an entry in ClinVar:

NM_013447.4(ADGRE2):c.2080G>A (p.Ala694Thr)

Gene: ADGRE2 (adhesion G protein-coupled receptor E2; minus strand). Cytogenetic location: 19p13.12.
Variant type: single nucleotide variant.
Coding change: c.2080G>A on transcript NM_013447.4 (MANE Select); coding-DNA position 2080, G replaced by A.
Protein change: p.Ala694Thr; replaces alanine 694 with threonine.
Molecular consequence: missense variant.
Genome position (GRCh38, 1-based): chr19:14,746,907, C>T on the plus strand (G>A on the coding strand, the complement: ADGRE2 is on the minus strand). VCF-style: chr19-14746907-C-T. GRCh37 (hg19) VCF-style: chr19-14857719-C-T.
Other names: c.2080G>A (NM_013447.2); c.1906G>A, p.Ala636Thr (NM_001271052.1); c.1933G>A, p.Ala645Thr (NM_152916.2); c.1801G>A, p.Ala601Thr (NM_152917.2); short protein forms A636T, A694T, A601T, A645T.
Identifiers: ClinVar variation 2986011 (VCV002986011.4), dbSNP rs377454798, ClinGen allele CA9257500.

ClinVar aggregate classification (germline): Uncertain significance. Review status: criteria provided, multiple submitters, no conflicts (2 of 4 stars). 2 submissions from 2 submitters: Uncertain significance (2). Last evaluated 2025-11-12.

Allele frequency attached by ClinVar (database versions not stated): gnomAD 0.00005; ExAC 0.00002; gnomAD exomes 0.00002; TOPMed 0.00003; ESP Exome Variant Server 0.00008.
gnomAD v4.1: 37 of 1,613,452 alleles (0.0023%); highest among the groups gnomAD compares: Middle Eastern, 0.016%; no homozygotes.

Submissions (2):

Ambry Genetics
Classification: Uncertain significance. Last evaluated: 2025-11-12. Review status: criteria provided, single submitter. Criteria: Ambry Variant Classification Scheme 2023. Collection method: clinical testing. Allele origin: germline.

Labcorp Genetics (formerly Invitae), Labcorp
Classification: Uncertain significance. Last evaluated: 2025-03-05. Review status: criteria provided, single submitter. Criteria: Invitae Variant Classification Sherloc (09022015). Collection method: clinical testing. Allele origin: germline.
Comment: This sequence change replaces alanine, which is neutral and non-polar, with threonine, which is neutral and polar, at codon 694 of the ADGRE2 protein (p.Ala694Thr). This variant is present in population databases (rs377454798, gnomAD 0.008%). This variant has not been reported in the literature in individuals affected with ADGRE2-related conditions. ClinVar contains an entry for this variant (Variation ID: 2986011). An algorithm developed to predict the effect of missense changes on protein structure and function outputs the following: PolyPhen-2: "Benign". The threonine amino acid residue is found in multiple mammalian species, which suggests that this missense change does not adversely affect protein function. In summary, the available evidence is currently insufficient to determine the role of this variant in disease. Therefore, it has been classified as a Variant of Uncertain Significance.